The following is an entry in ClinVar:

NM_001376.5(DYNC1H1):c.12982G>A (p.Glu4328Lys)

Gene: DYNC1H1 (dynein cytoplasmic 1 heavy chain 1; plus strand). Cytogenetic location: 14q32.31.
Variant type: single nucleotide variant.
Coding change: c.12982G>A on transcript NM_001376.5 (MANE Select); coding-DNA position 12982, G replaced by A.
Protein change: p.Glu4328Lys; replaces glutamic acid 4328 with lysine.
Molecular consequence: missense variant.
Genome position (GRCh38, 1-based): chr14:102,044,674, G>A. VCF-style: chr14-102044674-G-A. GRCh37 (hg19) VCF-style: chr14-102511011-G-A.
Other names: short protein forms E4328K.
Identifiers: ClinVar variation 1769258 (VCV001769258.6), dbSNP rs1270150920, ClinGen allele CA391044682.
Genomic context (GRCh38, chr14:102,044,674, plus strand): 5'-TGGGTGGAGTTGCTCCCCGACACCCAGACGCCCTCCTGGCTGGGCCTGCCCAACAACGCC[G>A]AGAGAGTCCTCCTTACCACACAGGGTAGGCAACAAGGATCCTCCCCACACGCAGGGTGGG-3'
Protein context (NP_001367.2, residues 4318-4338): PSWLGLPNNA[Glu4328Lys]RVLLTTQGVD

ClinVar aggregate classification (germline): Uncertain significance. Review status: criteria provided, multiple submitters, no conflicts (2 of 4 stars). 2 submissions from 2 submitters: Uncertain significance (2). Last evaluated 2025-11-12.

Conditions:
Inborn genetic diseases. Identifiers: MedGen C0950123, MeSH D030342.
Charcot-Marie-Tooth disease axonal type 2O. Also called: CHARCOT-MARIE-TOOTH NEUROPATHY, AXONAL, TYPE 2O; CHARCOT-MARIE-TOOTH DISEASE, AXONAL, AUTOSOMAL DOMINANT, TYPE 2O; Charcot-Marie-Tooth Neuropathy Type 2O; Charcot-Marie-Tooth disease, axonal, type 20. Identifiers: Orphanet 284232, MedGen C3280220, MONDO:0013644, OMIM 614228.

Allele frequency attached by ClinVar (database versions not stated): TOPMed 0.00001; gnomAD exomes below 0.00001.
gnomAD v4.1: 5 of 1,613,974 alleles (0.00031%); highest among the groups gnomAD compares: Non-Finnish European, 0.00034%; no homozygotes.

Submissions (2):

Ambry Genetics
Classification: Uncertain significance for Inborn genetic diseases. Last evaluated: 2025-11-12. Review status: criteria provided, single submitter. Criteria: Ambry Variant Classification Scheme 2023. Collection method: clinical testing. Allele origin: germline.

Labcorp Genetics (formerly Invitae), Labcorp
Classification: Uncertain significance for Charcot-Marie-Tooth disease axonal type 2O. Last evaluated: 2025-10-01. Review status: criteria provided, single submitter. Criteria: Invitae Variant Classification Sherloc (09022015). Collection method: clinical testing. Allele origin: germline.
Comment: This sequence change replaces glutamic acid, which is acidic and polar, with lysine, which is basic and polar, at codon 4328 of the DYNC1H1 protein (p.Glu4328Lys). This variant is not present in population databases (gnomAD no frequency). This variant has not been reported in the literature in individuals affected with DYNC1H1-related conditions. ClinVar contains an entry for this variant (Variation ID: 1769258). Invitae Evidence Modeling of protein sequence and biophysical properties (such as structural, functional, and spatial information, amino acid conservation, physicochemical variation, residue mobility, and thermodynamic stability) indicates that this missense variant is not expected to disrupt DYNC1H1 protein function with a negative predictive value of 95%. In summary, the available evidence is currently insufficient to determine the role of this variant in disease. Therefore, it has been classified as a Variant of Uncertain Significance.